The following is an entry in ClinVar:

NM_000222.3(KIT):c.2311A>G (p.Ser771Gly)

Gene: KIT (KIT proto-oncogene, receptor tyrosine kinase; plus strand). Cytogenetic location: 4q12.
Variant type: single nucleotide variant.
Coding change: c.2311A>G on transcript NM_000222.3 (MANE Select); coding-DNA position 2311, A replaced by G.
Protein change: p.Ser771Gly; replaces serine 771 with glycine.
Molecular consequence: missense variant.
Genome position (GRCh38, 1-based): chr4:54,731,948, A>G. VCF-style: chr4-54731948-A-G. GRCh37 (hg19) VCF-style: chr4-55598114-A-G.
Other names: c.2299A>G, p.Ser767Gly (NM_001093772.2, NM_001385292.1); c.2314A>G, p.Ser772Gly (NM_001385284.1); c.2308A>G, p.Ser770Gly (NM_001385285.1); c.2296A>G, p.Ser766Gly (NM_001385286.1); c.2302A>G, p.Ser768Gly (NM_001385288.1); c.2311A>G, p.Ser771Gly (NM_001385290.1); short protein forms S771G, S767G, S766G, S768G, S770G, S772G.
Identifiers: ClinVar variation 947240 (VCV000947240.10), dbSNP rs1722625754, ClinGen allele CA356911002.
Genomic context (GRCh38, chr4:54,731,948, plus strand): 5'-GATGTGACTCCCGCCATCATGGAGGATGACGAGTTGGCCCTAGACTTAGAAGACTTGCTG[A>G]GCTTTTCTTACCAGGTGGCAAAGGGCATGGCTTTCCTCGCCTCCAAGAATGTAAGTGGGA-3'
Protein context (NP_000213.1, residues 761-781): ELALDLEDLL[Ser771Gly]FSYQVAKGMA

ClinVar aggregate classification (germline): Uncertain significance (1 of 4 stars; one submission).

Conditions:
Gastrointestinal stromal tumor. Also called: Gastrointestinal stromal tumor, somatic; Gastrointestinal stroma tumor. Identifiers: Orphanet 44890, MedGen C0238198, MeSH D046152, MONDO:0011719, OMIM 606764, HP:0100723.

Submission:

Labcorp Genetics (formerly Invitae), Labcorp
Classification: Uncertain significance for Gastrointestinal stromal tumor. Last evaluated: 2024-04-15. Review status: criteria provided, single submitter. Criteria: Invitae Variant Classification Sherloc (09022015). Collection method: clinical testing. Allele origin: germline.
Comment: This sequence change replaces serine, which is neutral and polar, with glycine, which is neutral and non-polar, at codon 771 of the KIT protein (p.Ser771Gly). This variant is not present in population databases (gnomAD no frequency). This variant has not been reported in the literature in individuals affected with KIT-related conditions. ClinVar contains an entry for this variant (Variation ID: 947240). An algorithm developed to predict the effect of missense changes on protein structure and function (PolyPhen-2) suggests that this variant is likely to be tolerated. In summary, the available evidence is currently insufficient to determine the role of this variant in disease. Therefore, it has been classified as a Variant of Uncertain Significance.